The following is an entry in ClinVar:

NM_001110556.2(FLNA):c.2493T>A (p.Asn831Lys)

Gene: FLNA (filamin A; minus strand). Cytogenetic location: Xq28.
Variant type: single nucleotide variant.
Coding change: c.2493T>A on transcript NM_001110556.2 (MANE Select); coding-DNA position 2493, T replaced by A.
Protein change: p.Asn831Lys; replaces asparagine 831 with lysine.
Molecular consequence: missense variant.
Genome position (GRCh38, 1-based): chrX:154,362,490, A>T on the plus strand (T>A on the coding strand, the complement: FLNA is on the minus strand). VCF-style: chrX-154362490-A-T. GRCh37 (hg19) VCF-style: chrX-153590858-A-T.
Other names: c.2493T>A, p.Asn831Lys (NM_001456.4); short protein forms N831K.
Identifiers: ClinVar variation 1792109 (VCV001792109.2), dbSNP rs901545796, ClinGen allele CA415236308.
Genomic context (GRCh38, chrX:154,362,490, plus strand): 5'-GAGGACCATAATGGTGTAGCTGCCAGCCCCCCGGGGCGTGTACTTGACCGTGAAGGTGTC[A>T]TTGTCATTGCGGATGATGTCGAAGTCGATGTCAGCTTCGGCGGGGCCTACCACTCCAGGG-3'
Protein context (NP_001104026.1, residues 821-841): DIDFDIIRND[Asn831Lys]DTFTVKYTPR

ClinVar aggregate classification (germline): Uncertain significance (1 of 4 stars; one submission).

Conditions:
Familial thoracic aortic aneurysm and aortic dissection (TAAD). Also called: Thoracic aortic aneurysms and dissections. Identifiers: Orphanet 91387, MedGen C4707243, MONDO:0019625.

Submission:

Ambry Genetics
Classification: Uncertain significance for Familial thoracic aortic aneurysm and aortic dissection. Last evaluated: 2022-02-18. Review status: criteria provided, single submitter. Criteria: Ambry Variant Classification Scheme 2023. Collection method: clinical testing. Allele origin: germline.
Comment: The p.N831K variant (also known as c.2493T>A), located in coding exon 16 of the FLNA gene, results from a T to A substitution at nucleotide position 2493. The asparagine at codon 831 is replaced by lysine, an amino acid with similar properties. This amino acid position is highly conserved in available vertebrate species. In addition, this alteration is predicted to be tolerated by in silico analysis. Since supporting evidence is limited at this time, the clinical significance of this alteration remains unclear.